The following is an entry in ClinVar:

NM_000535.7(PMS2):c.188T>C (p.Val63Ala)

Gene: PMS2 (PMS1 homolog 2, mismatch repair system component; minus strand). Cytogenetic location: 7p22.1.
Variant type: single nucleotide variant.
Coding change: c.188T>C on transcript NM_000535.7 (MANE Select); coding-DNA position 188, T replaced by C.
Protein change: p.Val63Ala; replaces valine 63 with alanine.
Molecular consequence: missense variant. On other transcripts: 5 prime UTR variant (11), non-coding transcript variant (1).
Genome position (GRCh38, 1-based): chr7:6,004,034, A>G on the plus strand (T>C on the coding strand, the complement: PMS2 is on the minus strand). VCF-style: chr7-6004034-A-G. GRCh37 (hg19) VCF-style: chr7-6043665-A-G.
Other names: c.-218T>C (NM_001322003.2, NM_001322004.2, NM_001322005.2 and 3 more transcripts); c.188T>C, p.Val63Ala (NM_001322006.2, NM_001322014.2); c.-28T>C (NM_001322007.2, NM_001322008.2); c.-697T>C (NM_001322011.2, NM_001322012.2); c.-297T>C (NM_001322015.2); short protein forms V63A.
Identifiers: ClinVar variation 820226 (VCV000820226.5), dbSNP rs1583410835, ClinGen allele CA366744886.

ClinVar aggregate classification (germline): Uncertain significance (1 of 4 stars; one submission).

Conditions:
Hereditary cancer-predisposing syndrome. Also called: Neoplastic Syndromes, Hereditary; Tumor predisposition; Hereditary Cancer Syndrome; Hereditary neoplastic syndrome. Identifiers: Orphanet 140162, MedGen C0027672, MeSH D009386, MONDO:0015356.

Submission:

Ambry Genetics
Classification: Uncertain significance for Hereditary cancer-predisposing syndrome. Last evaluated: 2025-02-07. Review status: criteria provided, single submitter. Criteria: Ambry Variant Classification Scheme 2023. Collection method: clinical testing. Allele origin: germline.
Comment: The p.V63A variant (also known as c.188T>C), located in coding exon 3 of the PMS2 gene, results from a T to C substitution at nucleotide position 188. The valine at codon 63 is replaced by alanine, an amino acid with similar properties. This amino acid position is not well conserved in available vertebrate species, and alanine is the reference amino acid in several other vertebrate species. In addition, this alteration is predicted to be tolerated by in silico analysis. Based on the available evidence, the clinical significance of this variant remains unclear.